The following is an entry in ClinVar:

NM_000284.4(PDHA1):c.1103_1116dup (p.Pro373fs)

Gene: PDHA1 (pyruvate dehydrogenase E1 subunit alpha 1; plus strand). Cytogenetic location: Xp22.12.
Variant type: Duplication.
Coding change: c.1103_1116dup on transcript NM_000284.4 (MANE Select); coding-DNA positions 1103 to 1116, 14 bases duplicated (TCTACTCCAGCGAC).
Protein change: p.Pro373fs; shifts the reading frame from proline 373.
Molecular consequence: frameshift variant.
Genome position (GRCh38, 1-based): chrX:19,359,583-19,359,596, TCTACTCCAGCGAC duplicated. VCF-style (leftmost placement, unchanged base first): chrX-19359582-A-ATCTACTCCAGCGAC. GRCh37 (hg19) VCF-style: chrX-19377700-A-ATCTACTCCAGCGAC.
Other names: c.1217_1230dup, p.Pro411fs (NM_001173454.2); c.1124_1137dup, p.Pro380fs (NM_001173455.2); c.1010_1023dup, p.Pro342fs (NM_001173456.2); short protein forms P342fs, P373fs, P380fs, P411fs.
Identifiers: ClinVar variation 4070456 (VCV004070456.1).

ClinVar aggregate classification (germline): Pathogenic (0 of 4 stars; one submission).

Conditions:
Pyruvate dehydrogenase E1-alpha deficiency (PDHAD). Also called: ATAXIA, INTERMITTENT, WITH PYRUVATE DEHYDROGENASE DEFICIENCY; ATAXIA WITH LACTIC ACIDOSIS I; ATAXIA, INTERMITTENT, WITH ABNORMAL PYRUVATE METABOLISM; Ataxia, intermittent, with pyruvate dehydrogenase, or decarboxylase, deficiency. Identifiers: Orphanet 79243, MedGen C1839413, MONDO:0010717, OMIM 312170.

Submission:

PDHA1 Study Group, University Children’s Hospital, Paracelsus Medical University
Classification: Pathogenic for Pyruvate dehydrogenase E1-alpha deficiency. Last evaluated: 2024-10-15. Review status: no assertion criteria provided. Collection method: research. Allele origin: germline. Affected: yes. Observed: 1 variant allele.
Comment: The NM_000284.3:c.1103_1116dup (p.Pro373SerfsTer56) change is a frameshift variant in PDHA1 gene. This variant is predicted to escape nonsense-mediated decay (NMD). Last literature search: July 12, 2024. This variant is absent or extremely rare in population-based cohorts in the Genome Aggregation Database (gnomAD). Individuals harboring this variant presented with clinical features compatible with PDHA1-related PDHc deficiency. In summary, this variant meets criteria to be classified as pathogenic (P) for PDHA1-related PDHc deficiency based on the ACMG/AMP criteria applied: PVS1, PM2, PM7 (last assessment October 15, 2024).

Literature cited by the submitters: DOI 10.1093/brain/awaf430.